The following is an entry in ClinVar:

ClinVar aggregate classification (germline): Uncertain significance (1 of 4 stars; one submission).

Allele frequency attached by ClinVar (database versions not stated): gnomAD exomes below 0.00001; TOPMed 0.00001.
gnomAD v4.1: 2 of 1,602,020 alleles (0.00012%); highest among the groups gnomAD compares: Admixed American, 0.0034%; no homozygotes.

Submission:

Labcorp Genetics (formerly Invitae), Labcorp
Classification: Uncertain significance. Last evaluated: 2022-07-29. Review status: criteria provided, single submitter. Criteria: Invitae Variant Classification Sherloc (09022015). Collection method: clinical testing. Allele origin: germline.
Comment: This sequence change replaces leucine, which is neutral and non-polar, with phenylalanine, which is neutral and non-polar, at codon 4563 of the PCLO protein (p.Leu4563Phe). In summary, the available evidence is currently insufficient to determine the role of this variant in disease. Therefore, it has been classified as a Variant of Uncertain Significance. Algorithms developed to predict the effect of missense changes on protein structure and function are either unavailable or do not agree on the potential impact of this missense change (SIFT: "Deleterious"; PolyPhen-2: "Not Available"; Align-GVGD: "Class C0"). ClinVar contains an entry for this variant (Variation ID: 1403671). This variant has not been reported in the literature in individuals affected with PCLO-related conditions. The frequency data for this variant in the population databases is considered unreliable, as metrics indicate poor data quality at this position in the gnomAD database.

NM_033026.6(PCLO):c.13689G>T (p.Leu4563Phe)

Gene: PCLO (piccolo presynaptic cytomatrix protein; minus strand). Cytogenetic location: 7q21.11.
Variant type: single nucleotide variant.
Coding change: c.13689G>T on transcript NM_033026.6 (MANE Select); coding-DNA position 13689, G replaced by T.
Protein change: p.Leu4563Phe; replaces leucine 4563 with phenylalanine.
Molecular consequence: missense variant.
Genome position (GRCh38, 1-based): chr7:82,847,213, C>A on the plus strand (G>T on the coding strand, the complement: PCLO is on the minus strand). VCF-style: chr7-82847213-C-A. GRCh37 (hg19) VCF-style: chr7-82476529-C-A.
Other names: c.13689G>T, p.Leu4563Phe (NM_014510.3); short protein forms L4563F.
Identifiers: ClinVar variation 1403671 (VCV001403671.8), dbSNP rs865910895, ClinGen allele CA161119632.